The following is an entry in ClinVar:

NM_001267550.2(TTN):c.55374C>G (p.Ser18458Arg)

Genes: TTN-AS1 (TTN antisense RNA 1; plus strand), TTN (titin; minus strand). Cytogenetic location: 2q31.2.
Variant type: single nucleotide variant.
Coding change: c.55374C>G on transcript NM_001267550.2 (MANE Select); coding-DNA position 55374, C replaced by G.
Protein change: p.Ser18458Arg; replaces serine 18458 with arginine.
Molecular consequence: missense variant.
Genome position (GRCh38, 1-based): chr2:178,601,716, G>C on the plus strand (C>G on the coding strand, the complement: TTN is on the minus strand). VCF-style: chr2-178601716-G-C. GRCh37 (hg19) VCF-style: chr2-179466443-G-C.
Other names: p.S16817R:AGC>AGG; p.Ser16817Arg; c.50451C>G, p.Ser16817Arg (NM_001256850.1); c.47670C>G, p.Ser15890Arg (NM_133378.4); c.28179C>G, p.Ser9393Arg (NM_003319.4); c.28554C>G, p.Ser9518Arg (NM_133432.3); c.28755C>G, p.Ser9585Arg (NM_133437.4); short protein forms S15890R, S18458R, S16817R, S9518R, S9585R, S9393R.
Identifiers: ClinVar variation 165969 (VCV000165969.68), dbSNP rs200550947, ClinGen allele CA178714.

ClinVar aggregate classification (germline): Conflicting classifications of pathogenicity. Review status: criteria provided, conflicting classifications (1 of 4 stars). 14 submissions from 14 submitters: Uncertain significance (5); Likely benign (9). Last evaluated 2026-02-24.

Conditions:
TTN-related disorder. Also called: TTN-related disorders; TTN-related condition; TTN-related disease.
Cardiovascular phenotype. Identifiers: MedGen CN230736.
Dilated cardiomyopathy 1G (CMD1G). Identifiers: Orphanet 154, MedGen C1858763, MONDO:0011400, OMIM 604145.
Autosomal recessive limb-girdle muscular dystrophy type 2J (LGMDR10). Also called: Limb-girdle muscular dystrophy, type 2J; MUSCULAR DYSTROPHY, LIMB-GIRDLE, AUTOSOMAL RECESSIVE 10. Identifiers: Orphanet 140922, MedGen C1837342, MONDO:0012127, OMIM 608807.
Cardiomyopathy (CMYO). Also called: Cardiomyopathies. Identifiers: Orphanet 167848, MedGen C0878544, MONDO:0004994, HP:0001638. Inheritance: Various modes of inheritance.

Allele frequency attached by ClinVar (database versions not stated): 1000 Genomes Project 0.00020; 1000 Genomes Project 30x 0.00031; ExAC 0.00034; gnomAD exomes 0.00039 and 0.00065; TOPMed 0.00053; gnomAD 0.00062 and 0.00065; ESP Exome Variant Server 0.00084.
gnomAD v4.1: 1,031 of 1,610,360 alleles (0.064%); highest among the groups gnomAD compares: Non-Finnish European, 0.079%; 1 homozygote.

Submissions (14):

Women's Health and Genetics/Laboratory Corporation of America, LabCorp
Classification: Likely benign. Last evaluated: 2026-02-24. Review status: criteria provided, single submitter. Criteria: LabCorp Variant Classification Summary - May 2015. Collection method: clinical testing. Allele origin: germline.
Comment: Variant summary: TTN c.47670C>G (p.Ser15890Arg) results in a non-conservative amino acid change located in the A-band region of the encoded protein sequence. Algorithms developed to predict the effect of missense changes on protein structure and function are either unavailable or do not agree on the potential impact of this missense change. The variant allele was found at a frequency of 0.00064 in 1603408 control chromosomes, predominantly at a frequency of 0.00079 within the Non-Finnish European subpopulation in the gnomAD database, including 1 homozygote. The observed variant frequency within Non-Finnish European control individuals in the gnomAD database exceeds the estimated maximal expected allele frequency for disease-causing variants in TTN. c.47670C>G has been observed in an individual affected with Dilated Cardiomyopathy (Roggenbuck_2019). However, this individual also had a co-occurring pathogenic variant (reported as NM_001267550.2 exons 346-362 deletion), providing supporting evidence for a benign role. To our knowledge, no experimental evidence demonstrating an impact on protein function has been reported. The following publication has been ascertained in the context of this evaluation (PMID: 31489791). ClinVar contains an entry for this variant (Variation ID: 165969). Based on the evidence outlined above, the variant was classified as likely benign.

PreventionGenetics, part of Exact Sciences
Classification: Likely benign for TTN-related condition. Last evaluated: 2025-05-27. Review status: criteria provided, single submitter. Criteria: ACMG Guidelines, 2015. Collection method: clinical testing. Allele origin: germline.
Comment: This variant is classified as likely benign based on ACMG/AMP sequence variant interpretation guidelines (Richards et al. 2015 PMID: 25741868, with internal and published modifications).

Mayo Clinic Laboratories, Mayo Clinic
Classification: Likely benign. Last evaluated: 2025-05-12. Review status: criteria provided, single submitter. Criteria: ACMG Guidelines, 2015. Collection method: clinical testing. Allele origin: germline. Observed: 5 variant alleles.
Comment: BS1, BP4

Molecular Diagnostic Laboratory for Inherited Cardiovascular Disease, Montreal Heart Institute
Classification: Likely benign. Last evaluated: 2025-04-09. Review status: criteria provided, single submitter. Criteria: ACMG Guidelines, 2015. Collection method: clinical testing. Allele origin: germline. Affected: no.

Blueprint Genetics
Classification: Likely benign. Last evaluated: 2024-11-18. Review status: criteria provided, single submitter. Criteria: ACMG Guidelines, 2015. Collection method: clinical testing. Allele origin: germline.

Revvity Omics, Revvity
Classification: Uncertain significance. Last evaluated: 2024-08-14. Review status: criteria provided, single submitter. Criteria: ACMG Guidelines, 2015. Collection method: clinical testing. Allele origin: germline.

CeGaT Center for Human Genetics Tuebingen
Classification: Uncertain significance. Last evaluated: 2023-11-01. Review status: criteria provided, single submitter. Criteria: CeGaT Center For Human Genetics Tuebingen Variant Classification Criteria Version 2. Collection method: clinical testing. Allele origin: germline. Affected: yes. Observed: 7 variant alleles.

GeneDx
Classification: Likely benign. Last evaluated: 2020-10-05. Review status: criteria provided, single submitter. Criteria: GeneDx Variant Classification Process June 2021. Collection method: clinical testing. Allele origin: germline. Affected: yes.
Comment: This variant is associated with the following publications: (PMID: 23861362)

CHEO Genetics Diagnostic Laboratory, Children's Hospital of Eastern Ontario
Classification: Likely benign for Cardiomyopathy. Last evaluated: 2020-03-16. Review status: criteria provided, single submitter. Criteria: ACMG Guidelines, 2015. Collection method: clinical testing. Allele origin: germline.

Ambry Genetics
Classification: Likely benign for Cardiovascular phenotype. Last evaluated: 2020-01-02. Review status: criteria provided, single submitter. Criteria: Ambry Variant Classification Scheme 2023. Collection method: clinical testing. Allele origin: germline.

Labcorp Genetics (formerly Invitae), Labcorp
Classification: Uncertain significance for Dilated cardiomyopathy 1G; Autosomal recessive limb-girdle muscular dystrophy type 2J. Last evaluated: 2017-12-29. Review status: criteria provided, single submitter. Criteria: Invitae Variant Classification Sherloc (09022015). Collection method: clinical testing. Allele origin: germline.

Eurofins Ntd Llc (ga)
Classification: Uncertain significance. Last evaluated: 2015-07-31. Review status: criteria provided, single submitter. Criteria: EGL Classification Definitions 2015. Collection method: clinical testing. Allele origin: germline. Observed: 5 variant alleles, 4 heterozygotes.

Laboratory for Molecular Medicine, Mass General Brigham Personalized Medicine
Classification: Uncertain significance. Last evaluated: 2014-08-27. Review status: criteria provided, single submitter. Criteria: LMM Criteria. Collection method: clinical testing. Allele origin: germline. Observed: 1 variant allele.
Comment: Variant classified as Uncertain Significance - Favor Benign. The Ser15890Arg var iant in TTN has not been previously reported in individuals with cardiomyopathy, but has been identified in 0.1% (10/8194) of European American chromosomes by t he NHLBI Exome Sequencing Project (dbSNP rs20 0550947). Computational prediction tools and conservation analysis do not provid e strong support for or against an impact to the protein. In summary, while the clinical significance of the Ser15890Arg variant is uncertain, its frequency sug gests that it is more likely to be benign.

Biesecker Lab/Clinical Genomics Section, National Institutes of Health
Classification: Likely benign. Last evaluated: 2013-06-24. Review status: criteria provided, single submitter. Criteria: Ng et al. (Circ Cardiovasc Genet. 2013). Collection method: research. Allele origin: unknown. Observed: 1 variant allele. Study: ClinSeq.
Comment: The study set was not selected for affection status in relation to any cancer. Pathogenicity categories were based on literature curation. See Pubmed ID:23861362 for details.

Medical sequencing

Literature cited by the submitters: PubMed 31489791 (cited by Women's Health and Genetics/Laboratory Corporation of America, LabCorp); PubMed 23861362 (cited by Ambry Genetics).